The following is an entry in ClinVar:

ClinVar aggregate classification (germline): Uncertain significance. Review status: criteria provided, multiple submitters, no conflicts (2 of 4 stars). 5 submissions from 5 submitters: Uncertain significance (5). Last evaluated 2026-07-13.

Conditions:
Inborn genetic diseases. Identifiers: MedGen C0950123, MeSH D030342.
CEP164-related disorder. Also called: CEP164-related condition.
Nephronophthisis 15 (NPHP15). Identifiers: Orphanet 3156, MedGen C3541853, MONDO:0013917, OMIM 614845.

Allele frequency attached by ClinVar (database versions not stated): 1000 Genomes Project 0.00020; TOPMed 0.00030; 1000 Genomes Project 30x 0.00031; gnomAD exomes 0.00002 and 0.00004; ExAC 0.00003; gnomAD 0.00017.
gnomAD v4.1: 63 of 1,613,888 alleles (0.0039%); highest among the groups gnomAD compares: Admixed American, 0.042%; no homozygotes.

Submissions (5):

PreventionGenetics, part of Exact Sciences
Classification: Uncertain significance for CEP164-related condition. Last evaluated: 2026-07-13. Review status: criteria provided, single submitter. Criteria: ACMG Guidelines, 2015. Collection method: clinical testing. Allele origin: germline.
Comment: The CEP164 c.2195C>T variant is predicted to result in the amino acid substitution p.Ser732Leu. To our knowledge, this variant has not been reported in the literature. This variant is reported in 0.024% of alleles in individuals of African descent in gnomAD. At this time, the clinical significance of this variant is uncertain due to the absence of conclusive functional and genetic evidence.

Mayo Clinic Laboratories, Mayo Clinic
Classification: Uncertain significance. Last evaluated: 2025-10-28. Review status: criteria provided, single submitter. Criteria: ACMG Guidelines, 2015. Collection method: clinical testing. Allele origin: germline. Observed: 1 variant allele.
Comment: BP4_moderate

Labcorp Genetics (formerly Invitae), Labcorp
Classification: Uncertain significance for Nephronophthisis 15. Last evaluated: 2022-10-25. Review status: criteria provided, single submitter. Criteria: Invitae Variant Classification Sherloc (09022015). Collection method: clinical testing. Allele origin: germline.
Comment: This sequence change replaces serine, which is neutral and polar, with leucine, which is neutral and non-polar, at codon 732 of the CEP164 protein (p.Ser732Leu). This variant is present in population databases (rs559070007, gnomAD 0.03%). This variant has not been reported in the literature in individuals affected with CEP164-related conditions. ClinVar contains an entry for this variant (Variation ID: 961797). Advanced modeling of protein sequence and biophysical properties (such as structural, functional, and spatial information, amino acid conservation, physicochemical variation, residue mobility, and thermodynamic stability) performed at Invitae indicates that this missense variant is not expected to disrupt CEP164 protein function. In summary, the available evidence is currently insufficient to determine the role of this variant in disease. Therefore, it has been classified as a Variant of Uncertain Significance.

Fulgent Genetics
Classification: Uncertain significance for Nephronophthisis 15. Last evaluated: 2021-12-21. Review status: criteria provided, single submitter. Criteria: ACMG Guidelines, 2015. Collection method: clinical testing. Allele origin: unknown.

Ambry Genetics
Classification: Uncertain significance for Inborn genetic diseases. Last evaluated: 2021-06-18. Review status: criteria provided, single submitter. Criteria: Ambry Variant Classification Scheme 2023. Collection method: clinical testing. Allele origin: germline.

NM_014956.5(CEP164):c.2195C>T (p.Ser732Leu)

Gene: CEP164 (centrosomal protein 164; plus strand). Cytogenetic location: 11q23.3.
Variant type: single nucleotide variant.
Coding change: c.2195C>T on transcript NM_014956.5 (MANE Select); coding-DNA position 2195, C replaced by T.
Protein change: p.Ser732Leu; replaces serine 732 with leucine.
Molecular consequence: missense variant.
Genome position (GRCh38, 1-based): chr11:117,391,127, C>T. VCF-style: chr11-117391127-C-T. GRCh37 (hg19) VCF-style: chr11-117261843-C-T.
Other names: p.Ser732Leu; c.2204C>T, p.Ser735Leu (NM_001271933.2); short protein forms S732L, S735L.
Identifiers: ClinVar variation 961797 (VCV000961797.10), dbSNP rs559070007, ClinGen allele CA6294986.